The following is an entry in ClinVar:

ClinVar aggregate classification (germline): Likely pathogenic (1 of 4 stars; one submission).

Conditions:
Very long chain acyl-CoA dehydrogenase deficiency (ACADVLD). Also called: VLCAD Deficiency; Very Long-Chain Acyl-Coenzyme A Dehydrogenase Deficiency. Identifiers: Orphanet 26793, MedGen C3887523, MONDO:0008723, OMIM 201475.

Submission:

Labcorp Genetics (formerly Invitae), Labcorp
Classification: Likely pathogenic for Very long chain acyl-CoA dehydrogenase deficiency. Last evaluated: 2023-06-09. Review status: criteria provided, single submitter. Criteria: Invitae Variant Classification Sherloc (09022015). Collection method: clinical testing. Allele origin: germline.
Comment: In summary, the currently available evidence indicates that the variant is pathogenic, but additional data are needed to prove that conclusively. Therefore, this variant has been classified as Likely Pathogenic. This variant disrupts the p.Ser583 amino acid residue in ACADVL. Other variant(s) that disrupt this residue have been determined to be pathogenic (PMID: 9599005, 20480395, 26385305). This suggests that this residue is clinically significant, and that variants that disrupt this residue are likely to be disease-causing. Advanced modeling of protein sequence and biophysical properties (such as structural, functional, and spatial information, amino acid conservation, physicochemical variation, residue mobility, and thermodynamic stability) performed at Invitae indicates that this missense variant is expected to disrupt ACADVL protein function. This variant has not been reported in the literature in individuals affected with ACADVL-related conditions. This variant is not present in population databases (gnomAD no frequency). This sequence change replaces serine, which is neutral and polar, with alanine, which is neutral and non-polar, at codon 583 of the ACADVL protein (p.Ser583Ala).

Literature cited by the submitters: PubMed 9599005; PubMed 20480395; PubMed 26385305.

NM_000018.4(ACADVL):c.1747T>G (p.Ser583Ala)

Gene: ACADVL (acyl-CoA dehydrogenase very long chain; plus strand). Cytogenetic location: 17p13.1.
Variant type: single nucleotide variant.
Coding change: c.1747T>G on transcript NM_000018.4 (MANE Select); coding-DNA position 1747, T replaced by G.
Protein change: p.Ser583Ala; replaces serine 583 with alanine.
Molecular consequence: missense variant.
Genome position (GRCh38, 1-based): chr17:7,224,710, T>G. VCF-style: chr17-7224710-T-G. GRCh37 (hg19) VCF-style: chr17-7128029-T-G.
Other names: c.1681T>G, p.Ser561Ala (NM_001033859.3); c.1816T>G, p.Ser606Ala (NM_001270447.2); c.1519T>G, p.Ser507Ala (NM_001270448.2); short protein forms S507A, S606A, S561A, S583A.
Identifiers: ClinVar variation 2860054 (VCV002860054.3), dbSNP rs2508367512, ClinGen allele CA397725787.